The following is an entry in ClinVar:

ClinVar aggregate classification (germline): Uncertain significance (1 of 4 stars; one submission).

Conditions:
TTN-related disorder. Also called: TTN-related disorders; TTN-related condition; TTN-related disease.

Submission:

PreventionGenetics, part of Exact Sciences
Classification: Uncertain significance for TTN-related condition. Last evaluated: 2026-08-21. Review status: criteria provided, single submitter. Criteria: ACMG Guidelines, 2015. Collection method: clinical testing. Allele origin: germline.
Comment: The TTN c.53977C>G variant is predicted to result in the amino acid substitution p.Leu17993Val. To our knowledge, this variant has not been reported in the literature or in a large population database (gnomAD), indicating this variant is rare. At this time, the clinical significance of this variant is uncertain due to the absence of conclusive functional and genetic evidence.

NM_001267550.2(TTN):c.53977C>G (p.Leu17993Val)

Genes: TTN (titin; minus strand), TTN-AS1 (TTN antisense RNA 1; plus strand). Cytogenetic location: 2q31.2.
Variant type: single nucleotide variant.
Coding change: c.53977C>G on transcript NM_001267550.2 (MANE Select); coding-DNA position 53977, C replaced by G.
Protein change: p.Leu17993Val; replaces leucine 17993 with valine.
Molecular consequence: missense variant. On other transcripts: non-coding transcript variant (1).
Genome position (GRCh38, 1-based): chr2:178,605,200, G>C on the plus strand (C>G on the coding strand, the complement: TTN is on the minus strand). VCF-style: chr2-178605200-G-C. GRCh37 (hg19) VCF-style: chr2-179469927-G-C.
Other names: c.49054C>G, p.Leu16352Val (NM_001256850.1); c.26782C>G, p.Leu8928Val (NM_003319.4); c.46273C>G, p.Leu15425Val (NM_133378.4); c.27157C>G, p.Leu9053Val (NM_133432.3); c.27358C>G, p.Leu9120Val (NM_133437.4); short protein forms L9120V, L17993V, L8928V, L15425V, L16352V, L9053V.
Identifiers: ClinVar variation 4996431 (VCV004996431.1).